The following is an entry in ClinVar:

NM_003119.4(SPG7):c.1053C>T (p.Pro351=)

Gene: SPG7 (SPG7 matrix AAA peptidase subunit, paraplegin; plus strand). Cytogenetic location: 16q24.3.
Variant type: single nucleotide variant.
Coding change: c.1053C>T on transcript NM_003119.4 (MANE Select); coding-DNA position 1053, C replaced by T.
Protein change: p.Pro351=; no amino-acid change (proline 351 retained).
Molecular consequence: synonymous variant.
Genome position (GRCh38, 1-based): chr16:89,531,969, C>T. VCF-style: chr16-89531969-C-T. GRCh37 (hg19) VCF-style: chr16-89598377-C-T.
Other names: p.Pro351=; c.1053C>T, p.Pro351= (NM_001363850.1, NM_199367.3); c.1053C>T (NM_003119.3).
Identifiers: ClinVar variation 586669 (VCV000586669.22), dbSNP rs762689331, ClinGen allele CA8243927.

ClinVar aggregate classification (germline): Likely benign. Review status: criteria provided, multiple submitters, no conflicts (2 of 4 stars). 7 submissions from 7 submitters: Likely benign (6). 1 of the submissions does not count toward it. Last evaluated 2026-06-01.

Conditions:
SPG7-related disorder. Also called: SPG7-related condition.
Hereditary spastic paraplegia 7 (SPG7). Also called: SPG7-related neurologic disorder; Spastic paraplegia 7; Hereditary spastic paraplegia Paraplegin type; Autosomal recessive spastic paraplegia type 7; SPASTIC PARAPLEGIA 7, AUTOSOMAL RECESSIVE, WITH OR WITHOUT CEREBELLAR ATAXIA. Identifiers: Orphanet 99013, MedGen C1846564, MONDO:0011803, OMIM 607259.

Allele frequency attached by ClinVar (database versions not stated): ExAC 0.00004; gnomAD exomes 0.00004; gnomAD 0.00009; TOPMed 0.00009.
gnomAD v4.1: 198 of 1,613,816 alleles (0.012%); highest among the groups gnomAD compares: Middle Eastern, 0.016%; no homozygotes.

Submissions (7):

CeGaT Center for Human Genetics Tuebingen
Classification: Likely benign. Last evaluated: 2026-06-01. Review status: criteria provided, single submitter. Criteria: CeGaT Center For Human Genetics Tuebingen Variant Classification Criteria Version 2. Collection method: clinical testing. Allele origin: germline. Affected: yes. Observed: 2 variant alleles.
Comment: SPG7: BP4, BP7

Labcorp Genetics (formerly Invitae), Labcorp
Classification: Likely benign for Hereditary spastic paraplegia 7. Last evaluated: 2025-12-02. Review status: criteria provided, single submitter. Criteria: Invitae Variant Classification Sherloc (09022015). Collection method: clinical testing. Allele origin: germline.

Mayo Clinic Laboratories, Mayo Clinic
Classification: Likely benign. Last evaluated: 2025-02-07. Review status: criteria provided, single submitter. Criteria: ACMG Guidelines, 2015. Collection method: clinical testing. Allele origin: germline. Observed: 1 variant allele.
Comment: BP4, BP7

Blueprint Genetics
Classification: Likely benign. Last evaluated: 2023-11-29. Review status: criteria provided, single submitter. Criteria: ACMG Guidelines, 2015. Collection method: clinical testing. Allele origin: germline.

GeneDx
Classification: Likely benign. Last evaluated: 2021-05-04. Review status: criteria provided, single submitter. Criteria: GeneDx Variant Classification Process June 2021. Collection method: clinical testing. Allele origin: germline. Affected: yes.

Athena Diagnostics
Classification: Likely benign. Last evaluated: 2021-02-15. Review status: criteria provided, single submitter. Criteria: Athena Diagnostics criteria. Collection method: clinical testing. Allele origin: unknown.

PreventionGenetics, part of Exact Sciences
Classification: Likely benign for SPG7-related condition. Last evaluated: 2019-04-15. Review status: no assertion criteria provided. Collection method: clinical testing. Allele origin: germline. Not counted in ClinVar's aggregate classification.
Comment: This variant is classified as likely benign based on ACMG/AMP sequence variant interpretation guidelines (Richards et al. 2015 PMID: 25741868, with internal and published modifications).